The following is an entry in ClinVar:

NM_016648.4(LARP7):c.520G>T (p.Glu174Ter)

Genes: LARP7 (La ribonucleoprotein 7, transcriptional regulator; plus strand), MIR302CHG (miR-302/367 cluster host gene; minus strand). Cytogenetic location: 4q25.
Variant type: single nucleotide variant.
Coding change: c.520G>T on transcript NM_016648.4 (MANE Select); coding-DNA position 520, G replaced by T.
Protein change: p.Glu174Ter; replaces glutamic acid 174 with a stop codon.
Molecular consequence: nonsense. On other transcripts: non-coding transcript variant (3).
Genome position (GRCh38, 1-based): chr4:112,646,923, G>T. VCF-style: chr4-112646923-G-T. GRCh37 (hg19) VCF-style: chr4-113568079-G-T.
Other names: c.520G>T, p.Glu174Ter (NM_015454.3, NM_001267039.4, NM_001370974.1 and 6 more transcripts); c.283G>T, p.Glu95Ter (NM_001370981.1, NM_001370982.1); short protein forms E95*, E174*.
Identifiers: ClinVar variation 2766195 (VCV002766195.3), dbSNP rs2477768708, ClinGen allele CA357923836.

ClinVar aggregate classification (germline): Pathogenic (1 of 4 stars; one submission).

Submission:

Labcorp Genetics (formerly Invitae), Labcorp
Classification: Pathogenic. Last evaluated: 2023-10-27. Review status: criteria provided, single submitter. Criteria: Invitae Variant Classification Sherloc (09022015). Collection method: clinical testing. Allele origin: germline.
Comment: This sequence change creates a premature translational stop signal (p.Glu174*) in the LARP7 gene. It is expected to result in an absent or disrupted protein product. Loss-of-function variants in LARP7 are known to be pathogenic (PMID: 22865833, 26374271, 26607181). This variant is not present in population databases (gnomAD no frequency). This variant has not been reported in the literature in individuals affected with LARP7-related conditions. For these reasons, this variant has been classified as Pathogenic.

Literature cited by the submitters: PubMed 22865833; PubMed 26374271; PubMed 26607181.